The following is an entry in ClinVar:

ClinVar aggregate classification (germline): Likely benign (0 of 4 stars; one submission).

Conditions:
JAG2-related disorder. Also called: JAG2-related condition.

Allele frequency attached by ClinVar (database versions not stated): gnomAD 0.00004; ExAC 0.00006; TOPMed 0.00006.
gnomAD v4.1: 209 of 1,549,766 alleles (0.013%); highest among the groups gnomAD compares: Non-Finnish European, 0.017%; no homozygotes.

Submission:

PreventionGenetics, part of Exact Sciences
Classification: Likely benign for JAG2-related condition. Last evaluated: 2019-06-25. Review status: no assertion criteria provided. Collection method: clinical testing. Allele origin: germline.
Comment: This variant is classified as likely benign based on ACMG/AMP sequence variant interpretation guidelines (Richards et al. 2015 PMID: 25741868, with internal and published modifications).

NM_002226.5(JAG2):c.1551C>T (p.Ala517=)

Gene: JAG2 (jagged canonical Notch ligand 2; minus strand). Cytogenetic location: 14q32.33.
Variant type: single nucleotide variant.
Coding change: c.1551C>T on transcript NM_002226.5 (MANE Select); coding-DNA position 1551, C replaced by T.
Protein change: p.Ala517=; no amino-acid change (alanine 517 retained).
Molecular consequence: synonymous variant.
Genome position (GRCh38, 1-based): chr14:105,150,655, G>A on the plus strand (C>T on the coding strand, the complement: JAG2 is on the minus strand). VCF-style: chr14-105150655-G-A. GRCh37 (hg19) VCF-style: chr14-105616992-G-A.
Other names: c.1437C>T, p.Ala479= (NM_145159.3).
Identifiers: ClinVar variation 3043367 (VCV003043367.2), dbSNP rs769099523, ClinGen allele CA7385975.